The following is an entry in ClinVar:

ClinVar aggregate classification (germline): Likely benign. Review status: criteria provided, multiple submitters, no conflicts (2 of 4 stars). 3 submissions from 3 submitters: Likely benign (3). Last evaluated 2023-05-01.

Allele frequency attached by ClinVar (database versions not stated): ExAC 0.00028; gnomAD exomes 0.00030; gnomAD 0.00066 and 0.00070; ESP Exome Variant Server 0.00069; 1000 Genomes Project 0.00080; TOPMed 0.00080; 1000 Genomes Project 30x 0.00109.
gnomAD v4.1: 385 of 1,612,856 alleles (0.024%); highest among the groups gnomAD compares: African/African-American, 0.13%; no homozygotes.

Submissions (3):

CeGaT Center for Human Genetics Tuebingen
Classification: Likely benign. Last evaluated: 2023-05-01. Review status: criteria provided, single submitter. Criteria: CeGaT Center For Human Genetics Tuebingen Variant Classification Criteria Version 2. Collection method: clinical testing. Allele origin: germline. Affected: yes. Observed: 3 variant alleles.
Comment: MMEL1: BP4, BP7

Labcorp Genetics (formerly Invitae), Labcorp
Classification: Likely benign. Last evaluated: 2018-02-28. Review status: criteria provided, single submitter. Criteria: Invitae Variant Classification Sherloc (09022015). Collection method: clinical testing. Allele origin: germline.

Breakthrough Genomics
Classification: Likely benign. Review status: criteria provided, single submitter. Criteria: ACMG Guidelines, 2015. Collection method: not provided. Allele origin: germline. Inheritance: Unknown mechanism. Affected: yes.

NM_033467.4(MMEL1):c.858G>A (p.Thr286=)

Gene: MMEL1 (membrane metalloendopeptidase like 1; minus strand). Cytogenetic location: 1p36.32.
Variant type: single nucleotide variant.
Coding change: c.858G>A on transcript NM_033467.4 (MANE Select); coding-DNA position 858, G replaced by A.
Protein change: p.Thr286=; no amino-acid change (threonine 286 retained).
Molecular consequence: synonymous variant.
Genome position (GRCh38, 1-based): chr1:2,604,240, C>T on the plus strand (G>A on the coding strand, the complement: MMEL1 is on the minus strand). VCF-style: chr1-2604240-C-T. GRCh37 (hg19) VCF-style: chr1-2535679-C-T.
Identifiers: ClinVar variation 727941 (VCV000727941.28), dbSNP rs138787733, ClinGen allele CA542672.